The following is an entry in ClinVar:

ClinVar aggregate classification (germline): Uncertain significance (1 of 4 stars; one submission).

Conditions:
MC3R-related disorder. Also called: MC3R-related condition.

Submission:

PreventionGenetics, part of Exact Sciences
Classification: Uncertain significance for MC3R-related condition. Last evaluated: 2025-09-03. Review status: criteria provided, single submitter. Criteria: ACMG Guidelines, 2015. Collection method: clinical testing. Allele origin: germline.
Comment: The MC3R c.721G>A variant is predicted to result in the amino acid substitution p.Ala241Thr. To our knowledge, this variant has not been reported in the literature. This variant is reported in 0.0065% of alleles in individuals of South Asian descent in gnomAD. At this time, the clinical significance of this variant is uncertain due to the absence of conclusive functional and genetic evidence.

NM_019888.3(MC3R):c.721G>A (p.Ala241Thr)

Gene: MC3R (melanocortin 3 receptor; plus strand). Cytogenetic location: 20q13.2.
Variant type: single nucleotide variant.
Coding change: c.721G>A on transcript NM_019888.3 (MANE Select); coding-DNA position 721, G replaced by A.
Protein change: p.Ala241Thr; replaces alanine 241 with threonine.
Molecular consequence: missense variant.
Genome position (GRCh38, 1-based): chr20:56,249,564, G>A. VCF-style: chr20-56249564-G-A. GRCh37 (hg19) VCF-style: chr20-54824620-G-A.
Other names: short protein forms A241T.
Identifiers: ClinVar variation 5001756 (VCV005001756.1).
Genomic context (GRCh38, chr20:56,249,564, plus strand): 5'-ATAGCAGCACTGCCACCTGCCGACGGGGTGGCCCCACAGCAACACTCATGCATGAAGGGG[G>A]CAGTCACCATCACCATTCTCCTGGGCGTGTTCATCTTCTGCTGGGCCCCCTTCTTCCTCC-3'
Protein context (NP_063941.3, residues 231-251): APQQHSCMKG[Ala241Thr]VTITILLGVF